The following is an entry in ClinVar:

NM_000258.3(MYL3):c.-6C>T

Gene: MYL3 (myosin light chain 3; minus strand). Cytogenetic location: 3p21.31.
Variant type: single nucleotide variant.
Coding change: c.-6C>T on transcript NM_000258.3 (MANE Select); 6 bases upstream of the start codon, C replaced by T.
Molecular consequence: 5 prime UTR variant.
Genome position (GRCh38, 1-based): chr3:46,863,396, G>A on the plus strand (C>T on the coding strand, the complement: MYL3 is on the minus strand). VCF-style: chr3-46863396-G-A. GRCh37 (hg19) VCF-style: chr3-46904886-G-A.
Other names: c.-6C>T (NM_001406937.1, NM_001406938.1, NM_001406939.1).
Identifiers: ClinVar variation 3070094 (VCV003070094.1), dbSNP rs1452124242, ClinGen allele CA542726869.

ClinVar aggregate classification (germline): Uncertain significance (1 of 4 stars; one submission).

Conditions:
Hypertrophic cardiomyopathy. Also called: HYPERTROPHIC MYOCARDIOPATHY. Identifiers: Orphanet 217569, MedGen C0007194, MeSH D002312, MONDO:0005045, HP:0001639.

Allele frequency attached by ClinVar (database versions not stated): gnomAD exomes below 0.00001.

Submission:

All of Us Research Program, National Institutes of Health
Classification: Uncertain significance for Hypertrophic cardiomyopathy. Last evaluated: 2023-04-03. Review status: criteria provided, single submitter. Criteria: ACMG Guidelines, 2015. Collection method: clinical testing. Allele origin: germline. Inheritance: Autosomal dominant inheritance. Observed: 1 variant allele, 1 heterozygote.
Comment: This variant changes 1 nucleotide in the 5' untranslated region of the MYL3 protein. To our knowledge, functional studies have not been reported for this variant. This variant has not been reported in individuals affected with MYL3-related disorders in the literature. This variant has not been identified in the general population by the Genome Aggregation Database (gnomAD). The available evidence is insufficient to determine the role of this variant in disease conclusively. Therefore, this variant is classified as a Variant of Uncertain Significance.

This study involves interpretation of variants in research participants for the purpose of population health screening. Participant phenotype was not available at the time of variant classification. Additional details can be found in publication PMID: 35346344, PMCID: PMC8962531